The following is an entry in ClinVar:

ClinVar aggregate classification (germline): Uncertain significance. Review status: criteria provided, multiple submitters, no conflicts (2 of 4 stars). 3 submissions from 3 submitters: Uncertain significance (2). 1 of the submissions does not count toward it. Last evaluated 2025-07-08.

Conditions:
Mucopolysaccharidosis, MPS-III-A (MPS3A). Also called: SANFILIPPO SYNDROME A; SULFAMIDASE DEFICIENCY; MPS III A; MUCOPOLYSACCHARIDOSIS, TYPE IIIA, ATTENUATED; Mucopolysaccharidosis type IIIA (Sanfilippo A); MPS IIIA (Sanfilippo Syndrome Type A). Identifiers: Orphanet 581, Orphanet 79269, MedGen C0086647, MONDO:0009655, OMIM 252900.

gnomAD v4.1: 6 of 1,612,450 alleles (0.00037%); highest among the groups gnomAD compares: Non-Finnish European, 0.00051%; no homozygotes.

Submissions (3):

Women's Health and Genetics/Laboratory Corporation of America, LabCorp
Classification: Uncertain significance. Last evaluated: 2025-07-08. Review status: criteria provided, single submitter. Criteria: LabCorp Variant Classification Summary - May 2015. Collection method: clinical testing. Allele origin: germline.
Comment: Variant summary: SGSH c.1416G>C (p.Gln472His) results in a non-conservative amino acid change in the encoded protein sequence. Algorithms developed to predict the effect of missense changes on protein structure and function all suggest that this variant is likely to be disruptive. The frequency data for this variant in gnomAD is considered unreliable, as metrics indicate poor data quality at this position. c.1416G>C has been observed in a compound heterozygous individual affected with Mucopolysaccharidosis, MPS-III-A (e.g. Pollard_2013). These data do not allow any conclusion about variant significance. To our knowledge, no experimental evidence demonstrating an impact on protein function has been reported. The following publication has been ascertained in the context of this evaluation (PMID: 22976768). ClinVar contains an entry for this variant (Variation ID: 552432). Based on the evidence outlined above, the variant was classified as uncertain significance.

Genome-Nilou Lab
Classification: Uncertain significance for Mucopolysaccharidosis, MPS-III-A. Last evaluated: 2021-11-07. Review status: criteria provided, single submitter. Criteria: ACMG Guidelines, 2015. Collection method: clinical testing. Allele origin: germline. Affected: no.

Counsyl
Classification: Uncertain significance for Mucopolysaccharidosis, MPS-III-A. Last evaluated: 2017-06-09. Review status: no assertion criteria provided. Collection method: clinical testing. Allele origin: unknown. Not counted in ClinVar's aggregate classification.

Literature cited by the submitters: PubMed 22976768 (cited by Women's Health and Genetics/Laboratory Corporation of America, LabCorp and Counsyl); PubMed 24816101 (cited by Counsyl).

NM_000199.5(SGSH):c.1416G>C (p.Gln472His)

Gene: SGSH (N-sulfoglucosamine sulfohydrolase; minus strand). Cytogenetic location: 17q25.3.
Variant type: single nucleotide variant.
Coding change: c.1416G>C on transcript NM_000199.5 (MANE Select); coding-DNA position 1416, G replaced by C.
Protein change: p.Gln472His; replaces glutamine 472 with histidine.
Molecular consequence: missense variant. On other transcripts: 3 prime UTR variant (2), non-coding transcript variant (1).
Genome position (GRCh38, 1-based): chr17:80,210,545, C>G on the plus strand (G>C on the coding strand, the complement: SGSH is on the minus strand). VCF-style: chr17-80210545-C-G. GRCh37 (hg19) VCF-style: chr17-78184344-C-G.
Other names: c.*503G>C (NM_001352921.3); c.*466G>C (NM_001352922.2); short protein forms Q472H.
Identifiers: ClinVar variation 552432 (VCV000552432.5), dbSNP rs1555620072, ClinGen allele CA401358480.
Genomic context (GRCh38, chr17:80,210,545, plus strand): 5'-AGAGAGCTTCTCCTCCAGGACGCCGTCGGGGGCGCACACCCAGGGGTCGTGGGTCTCCCA[C>G]TGCCACTTGGCCAGCTGGTCCCGAAGCATCTCCAGAAGCTGAGCAAAGCGCGGGTCGGTG-3'
Protein context (NP_000190.1, residues 462-482): EMLRDQLAKW[Gln472His]WETHDPWVCA